The following is an entry in ClinVar:

ClinVar aggregate classification (germline): Uncertain significance. Review status: criteria provided, multiple submitters, no conflicts (2 of 4 stars). 2 submissions from 2 submitters: Uncertain significance (2). Last evaluated 2023-04-16.

Conditions:
Long QT syndrome (LQTS). Identifiers: MedGen C0023976, MeSH D008133, MONDO:0002442. Disease mechanism: loss of function. Inheritance: Various modes of inheritance.

gnomAD v4.1: 1 of 1,614,066 alleles (0.000062%); highest among the groups gnomAD compares: East Asian, 0.0022%; no homozygotes.

Submissions (2):

Labcorp Genetics (formerly Invitae), Labcorp
Classification: Uncertain significance for Long QT syndrome. Last evaluated: 2023-04-16. Review status: criteria provided, single submitter. Criteria: Invitae Variant Classification Sherloc (09022015). Collection method: clinical testing. Allele origin: germline.
Comment: In summary, the available evidence is currently insufficient to determine the role of this variant in disease. Therefore, it has been classified as a Variant of Uncertain Significance. This variant is not present in population databases (gnomAD no frequency). Algorithms developed to predict the effect of missense changes on protein structure and function output the following: SIFT: "Not Available"; PolyPhen-2: "Benign"; Align-GVGD: "Not Available". The leucine amino acid residue is found in multiple mammalian species, which suggests that this missense change does not adversely affect protein function. This variant has not been reported in the literature in individuals affected with ANK2-related conditions. This sequence change replaces valine, which is neutral and non-polar, with leucine, which is neutral and non-polar, at codon 3306 of the ANK2 protein (p.Val3306Leu).

Blueprint Genetics
Classification: Uncertain significance. Last evaluated: 2021-06-15. Review status: criteria provided, single submitter. Criteria: ACMG Guidelines, 2015. Collection method: clinical testing. Allele origin: germline.

NM_001148.6(ANK2):c.9916G>T (p.Val3306Leu)

Gene: ANK2 (ankyrin 2; plus strand). Cytogenetic location: 4q26.
Variant type: single nucleotide variant.
Coding change: c.9916G>T on transcript NM_001148.6 (MANE Select); coding-DNA position 9916, G replaced by T.
Protein change: p.Val3306Leu; replaces valine 3306 with leucine.
Molecular consequence: missense variant. On other transcripts: intron variant (68).
Genome position (GRCh38, 1-based): chr4:113,358,534, G>T. VCF-style: chr4-113358534-G-T. GRCh37 (hg19) VCF-style: chr4-114279690-G-T.
Other names: c.9682G>T, p.Val3228Leu (NM_001386142.1); c.6316G>T, p.Val2106Leu (NM_001386166.1); c.10057G>T, p.Val3353Leu (NM_001386174.1); c.10033G>T, p.Val3345Leu (NM_001386175.1); c.4412-2289G>T (NM_001386186.2, NM_001386148.2); c.4214-2289G>T (NM_001354269.3); c.4292-2289G>T (NM_001386187.2); c.4253-2289G>T (NM_001386147.1); and 35 more; short protein forms V2106L, V3228L, V3353L, V3306L, V3345L.
Identifiers: ClinVar variation 2732849 (VCV002732849.4), dbSNP rs200922244, ClinGen allele CA357939280.
Genomic context (GRCh38, chr4:113,358,534, plus strand): 5'-GAGATTCCTACTGCACCCATGGAGAATGTGCCTTTTACTGAAAGCAAATCCAAAATTCCT[G>T]TAAGGACTATGCCCACTTCCACCCCAGCACCTCCATCTGCAGAGTATGAGAGTTCAGTTT-3'
Protein context (NP_001139.3, residues 3296-3316): PFTESKSKIP[Val3306Leu]RTMPTSTPAP